The following is an entry in ClinVar:

NM_001330078.2(NRXN1):c.3129A>G (p.Val1043=)

Gene: NRXN1 (neurexin 1; minus strand). Cytogenetic location: 2p16.3.
Variant type: single nucleotide variant.
Coding change: c.3129A>G on transcript NM_001330078.2 (MANE Select); coding-DNA position 3129, A replaced by G.
Protein change: p.Val1043=; no amino-acid change (valine 1043 retained).
Molecular consequence: synonymous variant.
Genome position (GRCh38, 1-based): chr2:50,472,413, T>C on the plus strand (A>G on the coding strand, the complement: NRXN1 is on the minus strand). VCF-style: chr2-50472413-T-C. GRCh37 (hg19) VCF-style: chr2-50699551-T-C.
Other names: p.V1083V:GTA>GTG; c.3249A>G, p.Val1083= (NM_001135659.3); c.3105A>G, p.Val1035= (NM_001330077.2, NM_001330082.2); c.3063A>G, p.Val1021= (NM_001330083.2, NM_001330084.2); c.3102A>G, p.Val1034= (NM_001330085.2); c.3129A>G, p.Val1043= (NM_001330086.2, NM_004801.6); c.3018A>G, p.Val1006= (NM_001330087.2, NM_001330096.2); c.3048A>G, p.Val1016= (NM_001330088.2); and 3 more.
Identifiers: ClinVar variation 93600 (VCV000093600.63), dbSNP rs200698497, ClinGen allele CA221543.

ClinVar aggregate classification (germline): Conflicting classifications of pathogenicity. Review status: criteria provided, conflicting classifications (1 of 4 stars). 8 submissions from 8 submitters: Uncertain significance (1); Benign (1); Likely benign (3). 3 of the submissions do not count toward it. Last evaluated 2025-12-01.

Conditions:
Inborn genetic diseases. Identifiers: MedGen C0950123, MeSH D030342.
Pitt-Hopkins-like syndrome 2 (PTHSL2). Identifiers: Orphanet 221150, Orphanet 600663, MedGen C3280479, MONDO:0013690, OMIM 614325.

Allele frequency attached by ClinVar (database versions not stated): gnomAD 0.00017 and 0.00019; ExAC 0.00018; gnomAD exomes 0.00019 and 0.00032; TOPMed 0.00022; ESP Exome Variant Server 0.00025.
gnomAD v4.1: 478 of 1,612,232 alleles (0.03%); highest among the groups gnomAD compares: Non-Finnish European, 0.039%; no homozygotes.

Submissions (8):

Labcorp Genetics (formerly Invitae), Labcorp
Classification: Likely benign for Pitt-Hopkins-like syndrome 2. Last evaluated: 2025-12-01. Review status: criteria provided, single submitter. Criteria: Invitae Variant Classification Sherloc (09022015). Collection method: clinical testing. Allele origin: germline.

CeGaT Center for Human Genetics Tuebingen
Classification: Likely benign. Last evaluated: 2024-09-01. Review status: criteria provided, single submitter. Criteria: CeGaT Center For Human Genetics Tuebingen Variant Classification Criteria Version 2. Collection method: clinical testing. Allele origin: germline. Affected: yes. Observed: 7 variant alleles.
Comment: NRXN1: BP4, BP7

Ambry Genetics
Classification: Likely benign for Inborn genetic diseases. Last evaluated: 2017-04-18. Review status: criteria provided, single submitter. Criteria: Ambry Variant Classification Scheme 2023. Collection method: clinical testing. Allele origin: germline.

GeneDx
Classification: Benign. Last evaluated: 2013-10-18. Review status: criteria provided, single submitter. Criteria: GeneDx Variant Classification (06012015). Collection method: clinical testing. Allele origin: germline. Affected: yes.
Comment: This variant is considered likely benign or benign based on one or more of the following criteria: it is a conservative change, it occurs at a poorly conserved position in the protein, it is predicted to be benign by multiple in silico algorithms, and/or has population frequency not consistent with disease.

Eurofins Ntd Llc (ga)
Classification: Uncertain significance. Last evaluated: 2013-03-11. Review status: criteria provided, single submitter. Criteria: EGL Classification Definitions 2015. Collection method: clinical testing. Allele origin: germline. Observed: 1 variant allele, 1 heterozygote.

Clinical Genetics DNA and cytogenetics Diagnostics Lab, Erasmus MC, Erasmus Medical Center
Classification: Likely benign. Review status: no assertion criteria provided. Collection method: clinical testing. Allele origin: germline. Affected: yes. Study: VKGL Data-share Consensus. Not counted in ClinVar's aggregate classification.

Diagnostic Laboratory, Department of Genetics, University Medical Center Groningen
Classification: Likely benign. Review status: no assertion criteria provided. Collection method: clinical testing. Allele origin: germline. Affected: yes. Study: VKGL Data-share Consensus. Not counted in ClinVar's aggregate classification.

Genome Diagnostics Laboratory, University Medical Center Utrecht
Classification: Likely benign. Review status: no assertion criteria provided. Collection method: clinical testing. Allele origin: germline. Affected: yes. Study: VKGL Data-share Consensus. Not counted in ClinVar's aggregate classification.